The following is an entry in ClinVar:

ClinVar aggregate classification (germline): Uncertain significance. Review status: criteria provided, multiple submitters, no conflicts (2 of 4 stars). 2 submissions from 2 submitters: Uncertain significance (2). Last evaluated 2025-03-06.

Conditions:
Epileptic encephalopathy. Identifiers: MedGen C0543888, HP:0200134.

Allele frequency attached by ClinVar (database versions not stated): gnomAD exomes 0.00004 and 0.00010; TOPMed 0.00006; ESP Exome Variant Server 0.00008; gnomAD 0.00009 and 0.00010; 1000 Genomes Project 30x 0.00016; ExAC 0.00017; 1000 Genomes Project 0.00020.
gnomAD v4.1: 72 of 1,609,054 alleles (0.0045%); highest among the groups gnomAD compares: East Asian, 0.018%; no homozygotes.

Submissions (2):

Labcorp Genetics (formerly Invitae), Labcorp
Classification: Uncertain significance for Epileptic encephalopathy. Last evaluated: 2025-03-06. Review status: criteria provided, single submitter. Criteria: Invitae Variant Classification Sherloc (09022015). Collection method: clinical testing. Allele origin: germline.
Comment: This sequence change replaces alanine, which is neutral and non-polar, with valine, which is neutral and non-polar, at codon 1960 of the FASN protein (p.Ala1960Val). This variant is present in population databases (rs139421825, gnomAD 0.02%). This variant has not been reported in the literature in individuals affected with FASN-related conditions. ClinVar contains an entry for this variant (Variation ID: 1367145). An algorithm developed to predict the effect of missense changes on protein structure and function outputs the following: PolyPhen-2: "Benign". The valine amino acid residue is found in multiple mammalian species, which suggests that this missense change does not adversely affect protein function. In summary, the available evidence is currently insufficient to determine the role of this variant in disease. Therefore, it has been classified as a Variant of Uncertain Significance.

Ambry Genetics
Classification: Uncertain significance. Last evaluated: 2024-03-26. Review status: criteria provided, single submitter. Criteria: Ambry Variant Classification Scheme 2023. Collection method: clinical testing. Allele origin: germline.

NM_004104.5(FASN):c.5879C>T (p.Ala1960Val)

Gene: FASN (fatty acid synthase; minus strand). Cytogenetic location: 17q25.3.
Variant type: single nucleotide variant.
Coding change: c.5879C>T on transcript NM_004104.5 (MANE Select); coding-DNA position 5879, C replaced by T.
Protein change: p.Ala1960Val; replaces alanine 1960 with valine.
Molecular consequence: missense variant.
Genome position (GRCh38, 1-based): chr17:82,082,567, G>A on the plus strand (C>T on the coding strand, the complement: FASN is on the minus strand). VCF-style: chr17-82082567-G-A. GRCh37 (hg19) VCF-style: chr17-80040443-G-A.
Other names: c.5879C>T (NM_004104.4); short protein forms A1960V.
Identifiers: ClinVar variation 1367145 (VCV001367145.9), dbSNP rs139421825, ClinGen allele CA8851518.